The following is an entry in ClinVar:

NM_001267550.2(TTN):c.45349+23T>A

Genes: TTN (titin; minus strand), LOC126806427 (BRD4-independent group 4 enhancer GRCh37_chr2:179485777-179486976; plus strand). Cytogenetic location: 2q31.2.
Variant type: single nucleotide variant.
Coding change: c.45349+23T>A on transcript NM_001267550.2 (MANE Select); 23 bases into the intron after coding-DNA position 45349, T replaced by A.
Molecular consequence: intron variant.
Genome position (GRCh38, 1-based): chr2:178,621,452, A>T on the plus strand (T>A on the coding strand, the complement: TTN is on the minus strand). VCF-style: chr2-178621452-A-T. GRCh37 (hg19) VCF-style: chr2-179486179-A-T.
Other names: c.18154+23T>A (NM_003319.4); c.18730+23T>A (NM_133437.4); c.18529+23T>A (NM_133432.3); c.37645+23T>A (NM_133378.4); c.40426+23T>A (NM_001256850.1).
Identifiers: ClinVar variation 671349 (VCV000671349.2), dbSNP rs760207565, ClinGen allele CA1995456.
Genomic context (GRCh38, chr2:178,621,452, plus strand): 5'-ATTAGAAACATATGTCTTTGTACTTTAAATCTAGCAAGTGTGAATTGTTAGAAATAAAAG[A>T]TTATTCACTGTAGTTTTCATACCATGTACTTTGACTTTGCCATCGGTTCGAGAGCTTGGG-3'

ClinVar aggregate classification (germline): Benign. Review status: criteria provided, multiple submitters, no conflicts (2 of 4 stars). 2 submissions from 2 submitters: Benign (2). Last evaluated 2018-06-14.

Allele frequency attached by ClinVar (database versions not stated): gnomAD exomes 0.03863 and 0.05024; gnomAD 0.05617 and 0.05949; ExAC 0.05963; TOPMed 0.06305; 1000 Genomes Project 30x 0.09354.
gnomAD v4.1: 65,643 of 1,609,920 alleles (4.1%); highest among the groups gnomAD compares: Admixed American, 18%; 3,155 homozygotes.

Submissions (2):

GeneDx
Classification: Benign. Last evaluated: 2018-06-14. Review status: criteria provided, single submitter. Criteria: GeneDx Variant Classification (06012015). Collection method: clinical testing. Allele origin: germline. Affected: yes.
Comment: This variant is considered likely benign or benign based on one or more of the following criteria: it is a conservative change, it occurs at a poorly conserved position in the protein, it is predicted to be benign by multiple in silico algorithms, and/or has population frequency not consistent with disease.

Breakthrough Genomics
Classification: Benign. Review status: criteria provided, single submitter. Criteria: ACMG Guidelines, 2015. Collection method: not provided. Allele origin: germline. Inheritance: Autosomal recessive inheritance. Affected: yes.